The following is an entry in ClinVar:

NM_177438.3(DICER1):c.5075A>T (p.Tyr1692Phe)

Gene: DICER1 (dicer 1, ribonuclease III; minus strand). Cytogenetic location: 14q32.13.
Variant type: single nucleotide variant.
Coding change: c.5075A>T on transcript NM_177438.3 (MANE Select); coding-DNA position 5075, A replaced by T.
Protein change: p.Tyr1692Phe; replaces tyrosine 1692 with phenylalanine.
Molecular consequence: missense variant. On other transcripts: non-coding transcript variant (6).
Genome position (GRCh38, 1-based): chr14:95,095,845, T>A on the plus strand (A>T on the coding strand, the complement: DICER1 is on the minus strand). VCF-style: chr14-95095845-T-A. GRCh37 (hg19) VCF-style: chr14-95562182-T-A.
Other names: c.5075A>T, p.Tyr1692Phe (NM_001195573.1, NM_001271282.3, NM_001291628.2 and 13 more transcripts); c.4793A>T, p.Tyr1598Phe (NM_001395686.1); c.4670A>T, p.Tyr1557Phe (NM_001395687.1, NM_001395688.1, NM_001395689.1 and 2 more transcripts); c.4508A>T, p.Tyr1503Phe (NM_001395691.1); c.3392A>T, p.Tyr1131Phe (NM_001395697.1); short protein forms Y1131F, Y1557F, Y1598F, Y1692F, Y1503F.
Identifiers: ClinVar variation 1745178 (VCV001745178.7), dbSNP rs1890258380, ClinGen allele CA390865937.
Genomic context (GRCh38, chr14:95,095,845, plus strand): 5'-TCATTTTCCCAGAAATGAAGTCTGGTCGTGGGCTCCTTACCAGTGATAGTATTGTAGTGG[T>A]AGGAGGCATGTGTAAAAGCCTGGAGAAGGTAAGCCTTATTCTTGAATCTGTAGTTGATTT-3'
Protein context (NP_803187.1, residues 1682-1702): YLLQAFTHAS[Tyr1692Phe]HYNTITDCYQ

ClinVar aggregate classification (germline): Uncertain significance. Review status: criteria provided, multiple submitters, no conflicts (2 of 4 stars). 2 submissions from 2 submitters: Uncertain significance (2). Last evaluated 2022-02-19.

Conditions:
Hereditary cancer-predisposing syndrome. Also called: Neoplastic Syndromes, Hereditary; Tumor predisposition; Hereditary Cancer Syndrome; Hereditary neoplastic syndrome. Identifiers: Orphanet 140162, MedGen C0027672, MeSH D009386, MONDO:0015356.
DICER1-related tumor predisposition. Also called: DICER1 syndrome; DICER1-related pleuropulmonary blastoma cancer predisposition syndrome. Identifiers: Orphanet 284343, MedGen C3839822, MONDO:0100216.

Submissions (2):

Labcorp Genetics (formerly Invitae), Labcorp
Classification: Uncertain significance for DICER1-related tumor predisposition. Last evaluated: 2022-02-19. Review status: criteria provided, single submitter. Criteria: Invitae Variant Classification Sherloc (09022015). Collection method: clinical testing. Allele origin: germline.
Comment: In summary, the available evidence is currently insufficient to determine the role of this variant in disease. Therefore, it has been classified as a Variant of Uncertain Significance. Algorithms developed to predict the effect of missense changes on protein structure and function are either unavailable or do not agree on the potential impact of this missense change (SIFT: "Deleterious"; PolyPhen-2: "Probably Damaging"; Align-GVGD: "Class C15"). This variant has not been reported in the literature in individuals affected with DICER1-related conditions. This variant is not present in population databases (gnomAD no frequency). This sequence change replaces tyrosine, which is neutral and polar, with phenylalanine, which is neutral and non-polar, at codon 1692 of the DICER1 protein (p.Tyr1692Phe).

Ambry Genetics
Classification: Uncertain significance for Hereditary cancer-predisposing syndrome. Last evaluated: 2020-01-30. Review status: criteria provided, single submitter. Criteria: Ambry Variant Classification Scheme 2023. Collection method: clinical testing. Allele origin: germline.
Comment: The p.Y1692F variant (also known as c.5075A>T), located in coding exon 22 of the DICER1 gene, results from an A to T substitution at nucleotide position 5075. The tyrosine at codon 1692 is replaced by phenylalanine, an amino acid with highly similar properties. This amino acid position is highly conserved in available vertebrate species. In addition, the in silico prediction for this alteration is inconclusive. Since supporting evidence is limited at this time, the clinical significance of this alteration remains unclear.